The following is an entry in ClinVar:

NM_001387283.1(SMARCA4):c.4217G>A (p.Arg1406His)

Gene: SMARCA4 (SWI/SNF related BAF chromatin remodeling complex subunit ATPase 4; plus strand). Cytogenetic location: 19p13.2.
Variant type: single nucleotide variant.
Coding change: c.4217G>A on transcript NM_001387283.1 (MANE Plus Clinical); coding-DNA position 4217, G replaced by A.
Protein change: p.Arg1406His; replaces arginine 1406 with histidine.
Molecular consequence: missense variant. On other transcripts: intron variant (7).
Genome position (GRCh38, 1-based): chr19:11,039,504, G>A. VCF-style: chr19-11039504-G-A. GRCh37 (hg19) VCF-style: chr19-11150180-G-A.
Other names: c.4217G>A, p.Arg1406His (NM_001128849.3); c.4171-1803G>A (NM_001128844.3, NM_003072.5); c.4072-1803G>A (NM_001128847.4, NM_001374457.1, NM_001128848.2); c.4072-1794G>A (NM_001128845.2, NM_001128846.2); short protein forms R1406H.
Identifiers: ClinVar variation 238456 (VCV000238456.54), dbSNP rs779801126, ClinGen allele CA9204633.

ClinVar aggregate classification (germline): Conflicting classifications of pathogenicity. Review status: criteria provided, conflicting classifications (1 of 4 stars). 4 submissions from 4 submitters: Uncertain significance (3); Likely benign (1). Last evaluated 2026-07-01.

Conditions:
SMARCA4-related disorder. Also called: SMARCA4-related condition.
Hereditary cancer-predisposing syndrome. Also called: Hereditary neoplastic syndrome; Hereditary Cancer Syndrome; Neoplastic Syndromes, Hereditary; Tumor predisposition. Identifiers: Orphanet 140162, MedGen C0027672, MeSH D009386, MONDO:0015356.
Rhabdoid tumor predisposition syndrome 2 (RTPS2). Identifiers: Orphanet 231108, Orphanet 69077, MedGen C2750074, MONDO:0013224, OMIM 613325.

Allele frequency attached by ClinVar (database versions not stated): gnomAD 0.00001; ExAC 0.00002; gnomAD exomes 0.00002; TOPMed 0.00003.
gnomAD v4.1: 41 of 1,600,986 alleles (0.0026%); highest among the groups gnomAD compares: Middle Eastern, 0.017%; no homozygotes.

Submissions (4):

CeGaT Center for Human Genetics Tuebingen
Classification: Uncertain significance. Last evaluated: 2026-07-01. Review status: criteria provided, single submitter. Criteria: CeGaT Center For Human Genetics Tuebingen Variant Classification Criteria Version 2. Collection method: clinical testing. Allele origin: germline. Affected: yes. Observed: 1 variant allele.
Comment: SMARCA4: PP2, BP4

PreventionGenetics, part of Exact Sciences
Classification: Uncertain significance for SMARCA4-related condition. Last evaluated: 2026-02-16. Review status: criteria provided, single submitter. Criteria: ACMG Guidelines, 2015. Collection method: clinical testing. Allele origin: germline.
Comment: The SMARCA4 c.4217G>A variant is predicted to result in the amino acid substitution p.Arg1406His. To our knowledge, this variant has not been reported in the literature. This variant is reported in 0.015% of alleles in individuals of South Asian descent in gnomAD. Although we suspect that this variant may be benign, at this time, the clinical significance of this variant is uncertain due to the absence of conclusive functional and genetic evidence.

Labcorp Genetics (formerly Invitae), Labcorp
Classification: Uncertain significance for Rhabdoid tumor predisposition syndrome 2. Last evaluated: 2025-12-19. Review status: criteria provided, single submitter. Criteria: Invitae Variant Classification Sherloc (09022015). Collection method: clinical testing. Allele origin: germline.
Comment: This sequence change replaces arginine, which is basic and polar, with histidine, which is basic and polar, at codon 1406 of the SMARCA4 protein (p.Arg1406His). The frequency data for this variant in the population databases is considered unreliable, as metrics indicate poor data quality at this position in the gnomAD database. This variant has not been reported in the literature in individuals affected with SMARCA4-related conditions. ClinVar contains an entry for this variant (Variation ID: 238456). An algorithm developed to predict the effect of missense changes on protein structure and function (PolyPhen-2) suggests that this variant is likely to be tolerated. In summary, the available evidence is currently insufficient to determine the role of this variant in disease. Therefore, it has been classified as a Variant of Uncertain Significance.

Ambry Genetics
Classification: Likely benign for Hereditary cancer-predisposing syndrome. Last evaluated: 2021-02-18. Review status: criteria provided, single submitter. Criteria: Ambry Variant Classification Scheme 2023. Collection method: clinical testing. Allele origin: germline.